The following is an entry in ClinVar:

ClinVar aggregate classification (germline): Uncertain significance. Review status: criteria provided, multiple submitters, no conflicts (2 of 4 stars). 2 submissions from 2 submitters: Uncertain significance (2). Last evaluated 2022-01-24.

Conditions:
Dias-Logan syndrome. Also called: Intellectual developmental disorder with persistence of fetal hemoglobin; INTELLECTUAL DEVELOPMENTAL DISORDER WITH HEREDITARY PERSISTENCE OF FETAL HEMOGLOBIN. Identifiers: Orphanet 619233, MedGen C4310833, MONDO:0014914, OMIM 617101.

gnomAD v4.1: 2 of 1,613,256 alleles (0.00012%); highest among the groups gnomAD compares: Non-Finnish European, 0.00017%; no homozygotes.

Submissions (2):

Laboratorio de Genetica e Diagnostico Molecular, Hospital Israelita Albert Einstein
Classification: Uncertain significance for Dias-Logan syndrome. Last evaluated: 2022-01-24. Review status: criteria provided, single submitter. Criteria: ACMG Guidelines, 2015. Collection method: clinical testing. Allele origin: germline. Affected: yes.
Comment: ACMG classification criteria: PM2 moderate, BP4 supporting

Breakthrough Genomics
Classification: Uncertain significance. Review status: criteria provided, single submitter. Criteria: ACMG Guidelines, 2015. Collection method: not provided. Allele origin: germline. Inheritance: Autosomal dominant inheritance. Affected: yes.

NM_022893.4(BCL11A):c.2138G>A (p.Arg713His)

Gene: BCL11A (BCL11 transcription factor A; minus strand). Cytogenetic location: 2p16.1.
Variant type: single nucleotide variant.
Coding change: c.2138G>A on transcript NM_022893.4 (MANE Select); coding-DNA position 2138, G replaced by A.
Protein change: p.Arg713His; replaces arginine 713 with histidine.
Molecular consequence: missense variant. On other transcripts: intron variant (1).
Genome position (GRCh38, 1-based): chr2:60,460,774, C>T on the plus strand (G>A on the coding strand, the complement: BCL11A is on the minus strand). VCF-style: chr2-60460774-C-T. GRCh37 (hg19) VCF-style: chr2-60687909-C-T.
Other names: c.2036G>A, p.Arg679His (NM_001363864.1, NM_001365609.1); c.2138G>A, p.Arg713His (NM_018014.4); c.630+1508G>A (NM_138559.2); short protein forms R679H, R713H.
Identifiers: ClinVar variation 1683715 (VCV001683715.3), dbSNP rs554884428, ClinGen allele CA347036485.